The following is an entry in ClinVar:

ClinVar aggregate classification (germline): Likely benign. Review status: criteria provided, multiple submitters, no conflicts (2 of 4 stars). 4 submissions from 4 submitters: Likely benign (3). 1 of the submissions does not count toward it. Last evaluated 2025-04-28.

Conditions:
Familial thoracic aortic aneurysm and aortic dissection (TAAD). Also called: Thoracic aortic aneurysms and dissections. Identifiers: Orphanet 91387, MedGen C4707243, MONDO:0019625.
Heterotopia, periventricular, X-linked dominant (PVNH1). Also called: PERIVENTRICULAR NODULAR HETEROTOPIA 1; X-linked periventricular heterotopia; PERIVENTRICULAR NODULAR HETEROTOPIA 4; HETEROTOPIA, PERIVENTRICULAR, 1. Identifiers: Orphanet 2149, Orphanet 82004, MedGen C1848213, MONDO:0010233, OMIM 300049.
Oto-palato-digital syndrome, type II (OPD2). Also called: FACIOPALATOOSSEOUS SYNDROME; OPD II SYNDROME; Otopalatodigital Syndrome, Type II; Otopalatodigital Syndrome Type 2 (FLNA-OPD2). Identifiers: Orphanet 669, Orphanet 90652, MedGen C1844696, MONDO:0010571, OMIM 304120.
Melnick-Needles syndrome (MNS). Also called: MELNICK-NEEDLES OSTEODYSPLASTY; OSTEODYSPLASTY OF MELNICK AND NEEDLES; Melnick-Needles Syndrome (FLNA-MNS). Identifiers: Orphanet 2484, MedGen C0025237, MONDO:0010650, OMIM 309350.
Frontometaphyseal dysplasia (FMD1). Identifiers: Orphanet 1826, MedGen C0265293, MONDO:0015942.
FLNA-related disorder.

gnomAD v4.1: 2 of 1,211,714 alleles (0.00017%); highest among the groups gnomAD compares: East Asian, 0.003%; no homozygotes.

Submissions (4):

Labcorp Genetics (formerly Invitae), Labcorp
Classification: Likely benign for Oto-palato-digital syndrome, type II; Heterotopia, periventricular, X-linked dominant; Frontometaphyseal dysplasia; Melnick-Needles syndrome. Last evaluated: 2025-04-28. Review status: criteria provided, single submitter. Criteria: Invitae Variant Classification Sherloc (09022015). Collection method: clinical testing. Allele origin: germline.

Blueprint Genetics
Classification: Likely benign. Last evaluated: 2024-11-25. Review status: criteria provided, single submitter. Criteria: ACMG Guidelines, 2015. Collection method: clinical testing. Allele origin: germline.

Ambry Genetics
Classification: Likely benign for Familial thoracic aortic aneurysm and aortic dissection. Last evaluated: 2015-06-20. Review status: criteria provided, single submitter. Criteria: Ambry Variant Classification Scheme 2023. Collection method: clinical testing. Allele origin: germline.

PreventionGenetics, part of Exact Sciences
Classification: Likely benign for FLNA-related condition. Last evaluated: 2020-05-11. Review status: no assertion criteria provided. Collection method: clinical testing. Allele origin: germline. Not counted in ClinVar's aggregate classification.
Comment: This variant is classified as likely benign based on ACMG/AMP sequence variant interpretation guidelines (Richards et al. 2015 PMID: 25741868, with internal and published modifications).

NM_001110556.2(FLNA):c.1053G>A (p.Thr351=)

Gene: FLNA (filamin A; minus strand). Cytogenetic location: Xq28.
Variant type: single nucleotide variant.
Coding change: c.1053G>A on transcript NM_001110556.2 (MANE Select); coding-DNA position 1053, G replaced by A.
Protein change: p.Thr351=; no amino-acid change (threonine 351 retained).
Molecular consequence: synonymous variant.
Genome position (GRCh38, 1-based): chrX:154,366,574, C>T on the plus strand (G>A on the coding strand, the complement: FLNA is on the minus strand). VCF-style: chrX-154366574-C-T. GRCh37 (hg19) VCF-style: chrX-153594942-C-T.
Other names: c.1053G>A (NM_001110556.1); c.1053G>A, p.Thr351= (NM_001456.4).
Identifiers: ClinVar variation 1777894 (VCV001777894.8), dbSNP rs1557179338, ClinGen allele CA519709676.